The following is an entry in ClinVar:

ClinVar aggregate classification (germline): Uncertain significance (1 of 4 stars; one submission).

Submission:

Mayo Clinic Laboratories, Mayo Clinic
Classification: Uncertain significance. Last evaluated: 2023-04-20. Review status: criteria provided, single submitter. Criteria: ACMG Guidelines, 2015. Collection method: clinical testing. Allele origin: germline. Observed: 1 variant allele.
Comment: PP3, PM2

NM_000157.4(GBA1):c.905A>T (p.Asp302Val)

Genes: GBA1 (glucosylceramidase beta 1; minus strand), LOC106627981 (GBA recombination region; plus strand). Cytogenetic location: 1q22.
Variant type: single nucleotide variant.
Coding change: c.905A>T on transcript NM_000157.4 (MANE Select); coding-DNA position 905, A replaced by T.
Protein change: p.Asp302Val; replaces aspartic acid 302 with valine.
Molecular consequence: missense variant.
Genome position (GRCh38, 1-based): chr1:155,237,435, T>A on the plus strand (A>T on the coding strand, the complement: GBA1 is on the minus strand). VCF-style: chr1-155237435-T-A. GRCh37 (hg19) VCF-style: chr1-155207226-T-A.
Other names: p.Asp302Val; c.905A>T, p.Asp302Val (NM_001005741.3, NM_001005742.3); c.644A>T, p.Asp215Val (NM_001171811.2); c.758A>T, p.Asp253Val (NM_001171812.2); short protein forms D215V, D253V, D302V.
Identifiers: ClinVar variation 2683777 (VCV002683777.1), dbSNP rs2524831078, ClinGen allele CA342719396.